The following is an entry in ClinVar:

ClinVar aggregate classification (germline): Uncertain significance. Review status: criteria provided, multiple submitters, no conflicts (2 of 4 stars). 2 submissions from 2 submitters: Uncertain significance (2). Last evaluated 2023-07-17.

Conditions:
Developmental and epileptic encephalopathy, 41 (DEE41). Also called: Epileptic encephalopathy, early infantile, 41. Identifiers: MedGen C4310717, MONDO:0014916, OMIM 617105.

Submissions (2):

Labcorp Genetics (formerly Invitae), Labcorp
Classification: Uncertain significance. Last evaluated: 2023-07-17. Review status: criteria provided, single submitter. Criteria: Invitae Variant Classification Sherloc (09022015). Collection method: clinical testing. Allele origin: germline.
Comment: In summary, the available evidence is currently insufficient to determine the role of this variant in disease. Therefore, it has been classified as a Variant of Uncertain Significance. Advanced modeling of protein sequence and biophysical properties (such as structural, functional, and spatial information, amino acid conservation, physicochemical variation, residue mobility, and thermodynamic stability) performed at Invitae indicates that this missense variant is not expected to disrupt SLC1A2 protein function. ClinVar contains an entry for this variant (Variation ID: 931535). This variant has not been reported in the literature in individuals affected with SLC1A2-related conditions. This variant is not present in population databases (gnomAD no frequency). This sequence change replaces alanine, which is neutral and non-polar, with valine, which is neutral and non-polar, at codon 349 of the SLC1A2 protein (p.Ala349Val).

Centre for Mendelian Genomics, University Medical Centre Ljubljana
Classification: Uncertain significance for Developmental and epileptic encephalopathy, 41. Last evaluated: 2019-06-25. Review status: criteria provided, single submitter. Criteria: ACMG Guidelines, 2015. Collection method: clinical testing. Allele origin: unknown. Affected: yes.
Comment: This variant was classified as: Uncertain significance. The available evidence on this variant's pathogenicity is insufficient or conflicting. The following ACMG criteria were applied in classifying this variant: PM2.

NM_004171.4(SLC1A2):c.1046C>T (p.Ala349Val)

Gene: SLC1A2 (solute carrier family 1 member 2; minus strand). Cytogenetic location: 11p13.
Variant type: single nucleotide variant.
Coding change: c.1046C>T on transcript NM_004171.4 (MANE Select); coding-DNA position 1046, C replaced by T.
Protein change: p.Ala349Val; replaces alanine 349 with valine.
Molecular consequence: missense variant.
Genome position (GRCh38, 1-based): chr11:35,292,332, G>A on the plus strand (C>T on the coding strand, the complement: SLC1A2 is on the minus strand). VCF-style: chr11-35292332-G-A. GRCh37 (hg19) VCF-style: chr11-35313879-G-A.
Other names: c.1019C>T, p.Ala340Val (NM_001195728.3, NM_001252652.2); short protein forms A340V, A349V.
Identifiers: ClinVar variation 931535 (VCV000931535.9), dbSNP rs1851035772, ClinGen allele CA380124596.
Genomic context (GRCh38, chr11:35,292,332, plus strand): 5'-TCTTTTGTTCTCTACCTGGAAGCGGTGCCCAGGGCAGTGATCCAAGCTTGGAAAATGCCA[G>A]CAAAAAAGGAGAAGGGGTTTTTCCTGGTCACTACAAAGTAAATCAAGGGGAGAAAGATGC-3'
Protein context (NP_004162.2, residues 339-359): VTRKNPFSFF[Ala349Val]GIFQAWITAL